The following is an entry in ClinVar:

ClinVar aggregate classification (germline): Uncertain significance (1 of 4 stars; one submission).

Allele frequency attached by ClinVar (database versions not stated): gnomAD 0.00001.
gnomAD v4.1: 3 of 1,470,844 alleles (0.0002%); highest among the groups gnomAD compares: African/African-American, 0.0028%; no homozygotes.

Submission:

Labcorp Genetics (formerly Invitae), Labcorp
Classification: Uncertain significance. Last evaluated: 2022-08-10. Review status: criteria provided, single submitter. Criteria: Invitae Variant Classification Sherloc (09022015). Collection method: clinical testing. Allele origin: germline.
Comment: This sequence change disrupts the translational stop signal of the EYS mRNA. It is expected to extend the length of the EYS protein by 12 additional amino acid residues. This variant is not present in population databases (gnomAD no frequency). This variant has not been reported in the literature in individuals affected with EYS-related conditions. ClinVar contains an entry for this variant (Variation ID: 1519786). Experimental studies and prediction algorithms are not available or were not evaluated, and the functional significance of this variant is currently unknown. In summary, the available evidence is currently insufficient to determine the role of this variant in disease. Therefore, it has been classified as a Variant of Uncertain Significance.

NM_001142800.2(EYS):c.9433T>G (p.Ter3145Glu)

Genes: EYS (eyes shut homolog; minus strand), PHF3 (PHD finger protein 3; plus strand). Cytogenetic location: 6q12.
Variant type: single nucleotide variant.
Coding change: c.9433T>G on transcript NM_001142800.2 (MANE Select); coding-DNA position 9433, T replaced by G.
Protein change: p.Ter3145Glu.
Molecular consequence: stop lost. On other transcripts: 3 prime UTR variant (5).
Genome position (GRCh38, 1-based): chr6:63,720,598, A>C on the plus strand (T>G on the coding strand, the complement: EYS is on the minus strand). VCF-style: chr6-63720598-A-C. GRCh37 (hg19) VCF-style: chr6-64430494-A-C.
Other names: c.*6890A>C (NM_001290259.2, NM_001370348.2, NM_001370349.2 and 2 more transcripts); c.9496T>G, p.Ter3166Glu (NM_001292009.2).
Identifiers: ClinVar variation 1519786 (VCV001519786.3), dbSNP rs1348024945, ClinGen allele CA364382490.